The following is an entry in ClinVar:

ClinVar aggregate classification (germline): Uncertain significance (1 of 4 stars; one submission).

Submission:

Labcorp Genetics (formerly Invitae), Labcorp
Classification: Uncertain significance. Last evaluated: 2021-12-03. Review status: criteria provided, single submitter. Criteria: Invitae Variant Classification Sherloc (09022015). Collection method: clinical testing. Allele origin: germline.
Comment: This sequence change replaces serine with asparagine at codon 557 of the COL18A1 protein (p.Ser557Asn). There is a small physicochemical difference between serine and asparagine. This variant is not present in population databases (gnomAD no frequency). This variant has not been reported in the literature in individuals affected with COL18A1-related conditions. In summary, the available evidence is currently insufficient to determine the role of this variant in disease. Therefore, it has been classified as a Variant of Uncertain Significance.

NM_001379500.1(COL18A1):c.1670G>A (p.Ser557Asn)

Gene: COL18A1 (collagen type XVIII alpha 1 chain; plus strand). Cytogenetic location: 21q22.3.
Variant type: single nucleotide variant.
Coding change: c.1670G>A on transcript NM_001379500.1 (MANE Select); coding-DNA position 1670, G replaced by A.
Protein change: p.Ser557Asn; replaces serine 557 with asparagine.
Molecular consequence: missense variant.
Genome position (GRCh38, 1-based): chr21:45,482,021, G>A. VCF-style: chr21-45482021-G-A. GRCh37 (hg19) VCF-style: chr21-46901935-G-A.
Other names: c.2210G>A, p.Ser737Asn (NM_030582.4); c.2915G>A, p.Ser972Asn (NM_130444.3); short protein forms S737N, S557N, S972N.
Identifiers: ClinVar variation 1365875 (VCV001365875.6), dbSNP rs2145942990, ClinGen allele CA410518792.
Genomic context (GRCh38, chr21:45,482,021, plus strand): 5'-AGGGACCCCCAGGCCCTCCGGGAAGAGAGGGGCCCCCAGGAAGGACTGGGCAGAAAGGCA[G>A]CCTGGTAAGTCTTCCCTCGAGTCCAGGGTGAGTGGGAACCAGCACCACACCATGTGGCCC-3'
Protein context (NP_001366429.1, residues 547-567): GPPGRTGQKG[Ser557Asn]LGEAGAPGHK